The following is an entry in ClinVar:

ClinVar aggregate classification (germline): Uncertain significance (1 of 4 stars; one submission).

Submission:

GeneDx
Classification: Uncertain significance. Last evaluated: 2024-04-02. Review status: criteria provided, single submitter. Criteria: GeneDx Variant Classification Process June 2021. Collection method: clinical testing. Allele origin: germline. Affected: yes.
Comment: Has not been previously published as pathogenic or benign to our knowledge; In silico analysis supports that this missense variant does not alter protein structure/function

NM_024876.4(COQ8B):c.188G>A (p.Arg63Gln)

Gene: COQ8B (coenzyme Q8B; minus strand). Cytogenetic location: 19q13.2.
Variant type: single nucleotide variant.
Coding change: c.188G>A on transcript NM_024876.4 (MANE Select); coding-DNA position 188, G replaced by A.
Protein change: p.Arg63Gln; replaces arginine 63 with glutamine.
Molecular consequence: missense variant.
Genome position (GRCh38, 1-based): chr19:40,714,312, C>T on the plus strand (G>A on the coding strand, the complement: COQ8B is on the minus strand). VCF-style: chr19-40714312-C-T. GRCh37 (hg19) VCF-style: chr19-41220217-C-T.
Other names: c.188G>A, p.Arg63Gln (NM_001142555.3); short protein forms R63Q.
Identifiers: ClinVar variation 3371590 (VCV003371590.1).